The following is an entry in ClinVar:

ClinVar aggregate classification (germline): Uncertain significance (1 of 4 stars; one submission).

Submission:

Ambry Genetics
Classification: Uncertain significance. Last evaluated: 2023-01-31. Review status: criteria provided, single submitter. Criteria: Ambry Variant Classification Scheme 2023. Collection method: clinical testing. Allele origin: germline.
Comment: The p.Q2610H variant (also known as c.7830G>T), located in coding exon 58 of the PRKDC gene, results from a G to T substitution at nucleotide position 7830. The glutamine at codon 2610 is replaced by histidine, an amino acid with highly similar properties. This amino acid position is conserved. In addition, this alteration is predicted to be tolerated by in silico analysis. Since supporting evidence is limited at this time, the clinical significance of this alteration remains unclear.

NM_006904.7(PRKDC):c.7830G>T (p.Gln2610His)

Gene: PRKDC (protein kinase, DNA-activated, catalytic subunit; minus strand). Cytogenetic location: 8q11.21.
Variant type: single nucleotide variant.
Coding change: c.7830G>T on transcript NM_006904.7 (MANE Select); coding-DNA position 7830, G replaced by T.
Protein change: p.Gln2610His; replaces glutamine 2610 with histidine.
Molecular consequence: missense variant.
Genome position (GRCh38, 1-based): chr8:47,836,459, C>A on the plus strand (G>T on the coding strand, the complement: PRKDC is on the minus strand). VCF-style: chr8-47836459-C-A. GRCh37 (hg19) VCF-style: chr8-48749020-C-A.
Other names: c.7830G>T, p.Gln2610His (NM_001081640.2); short protein forms Q2610H.
Identifiers: ClinVar variation 2449873 (VCV002449873.2), dbSNP rs2551867350, ClinGen allele CA371151059.